The following is an entry in ClinVar:

NM_003000.3(SDHB):c.110C>T (p.Pro37Leu)

Gene: SDHB (succinate dehydrogenase complex iron sulfur subunit B; minus strand). Cytogenetic location: 1p36.13.
Variant type: single nucleotide variant.
Coding change: c.110C>T on transcript NM_003000.3 (MANE Select); coding-DNA position 110, C replaced by T.
Protein change: p.Pro37Leu; replaces proline 37 with leucine.
Molecular consequence: missense variant.
Genome position (GRCh38, 1-based): chr1:17,044,851, G>A on the plus strand (C>T on the coding strand, the complement: SDHB is on the minus strand). VCF-style: chr1-17044851-G-A. GRCh37 (hg19) VCF-style: chr1-17371346-G-A.
Other names: c.110C>T, p.Pro37Leu (NM_001407361.1); short protein forms P37L.
Identifiers: ClinVar variation 3951391 (VCV003951391.2).

ClinVar aggregate classification (germline): Uncertain significance. Review status: criteria provided, multiple submitters, no conflicts (2 of 4 stars). 2 submissions from 2 submitters: Uncertain significance (2). Last evaluated 2026-01-20.

Conditions:
Hereditary cancer-predisposing syndrome. Also called: Neoplastic Syndromes, Hereditary; Tumor predisposition; Hereditary Cancer Syndrome; Hereditary neoplastic syndrome. Identifiers: Orphanet 140162, MedGen C0027672, MeSH D009386, MONDO:0015356.
Pheochromocytoma. Also called: MAX-Related Hereditary Paraganglioma-Pheochromocytoma Syndrome. Identifiers: Orphanet 29072, MedGen C0031511, MONDO:0008233, OMIM 171300, HP:0002666.
Pheochromocytoma/paraganglioma syndrome 4. Also called: CAROTID BODY TUMORS AND MULTIPLE EXTRAADRENAL PHEOCHROMOCYTOMAS; PARAGANGLIOMA, FAMILIAL MALIGNANT; PARAGANGLIOMAS, HEREDITARY EXTRAADRENAL; PHEOCHROMOCYTOMA, FAMILIAL EXTRAADRENAL; Paragangliomas 4; SDHB-Related Hereditary Paraganglioma-Pheochromocytoma Syndrome (Paragangliomas 4). Identifiers: Orphanet 29072, MedGen C1861848, MONDO:0007273, OMIM 115310.
Gastrointestinal stromal tumor. Also called: Gastrointestinal stromal tumor, somatic; Gastrointestinal stroma tumor. Identifiers: Orphanet 44890, MedGen C0238198, MeSH D046152, MONDO:0011719, OMIM 606764, HP:0100723.

Submissions (2):

Labcorp Genetics (formerly Invitae), Labcorp
Classification: Uncertain significance for Gastrointestinal stromal tumor; Pheochromocytoma/paraganglioma syndrome 4; Pheochromocytoma. Last evaluated: 2026-01-20. Review status: criteria provided, single submitter. Criteria: Invitae Variant Classification Sherloc (09022015). Collection method: clinical testing. Allele origin: germline.
Comment: This sequence change replaces proline, which is neutral and non-polar, with leucine, which is neutral and non-polar, at codon 37 of the SDHB protein (p.Pro37Leu). This variant is not present in population databases (gnomAD no frequency). This variant has not been reported in the literature in individuals affected with SDHB-related conditions. ClinVar contains an entry for this variant (Variation ID: 3951391). Invitae Evidence Modeling of protein sequence and biophysical properties (such as structural, functional, and spatial information, amino acid conservation, physicochemical variation, residue mobility, and thermodynamic stability) indicates that this missense variant is not expected to disrupt SDHB protein function with a negative predictive value of 95%. In summary, the available evidence is currently insufficient to determine the role of this variant in disease. Therefore, it has been classified as a Variant of Uncertain Significance.

Ambry Genetics
Classification: Uncertain significance for Hereditary cancer-predisposing syndrome. Last evaluated: 2025-03-24. Review status: criteria provided, single submitter. Criteria: Ambry Variant Classification Scheme 2023. Collection method: clinical testing. Allele origin: germline.
Comment: The p.P37L variant (also known as c.110C>T), located in coding exon 2 of the SDHB gene, results from a C to T substitution at nucleotide position 110. The proline at codon 37 is replaced by leucine, an amino acid with similar properties. This amino acid position is highly conserved in available vertebrate species. In addition, this alteration is predicted to be deleterious by in silico analysis. Based on the available evidence, the clinical significance of this variant remains unclear.